The following is an entry in ClinVar:

NM_001243177.4(ALDOA):c.821A>G (p.His274Arg)

Genes: ALDOA (aldolase, fructose-bisphosphate A; plus strand), LOC112694756 (uncharaterized LOC112694756; plus strand). Cytogenetic location: 16p11.2.
Variant type: single nucleotide variant.
Coding change: c.821A>G on transcript NM_001243177.4 (MANE Select); coding-DNA position 821, A replaced by G.
Protein change: p.His274Arg; replaces histidine 274 with arginine.
Molecular consequence: missense variant. On other transcripts: 3 prime UTR variant (3).
Genome position (GRCh38, 1-based): chr16:30,069,533, A>G. VCF-style: chr16-30069533-A-G. GRCh37 (hg19) VCF-style: chr16-30080854-A-G.
Other names: c.*1168A>G (NM_001365304.2, NM_001365305.2, NM_001365307.2); c.659A>G, p.His220Arg (NM_001127617.2, NM_184041.5, NM_184043.2); short protein forms H274R, H220R.
Identifiers: ClinVar variation 1432377 (VCV001432377.9), dbSNP rs760807537, ClinGen allele CA8001093.
Genomic context (GRCh38, chr16:30,069,533, plus strand): 5'-CCCACCGTGCGCCTGCTCTGCTCCAGGTGCTGGCTGCTGTCTACAAGGCTCTGAGTGACC[A>G]CCACATCTACCTGGAAGGCACCTTGCTGAAGCCCAACATGGTCACCCCAGGCCATGCTTG-3'
Protein context (NP_001230106.1, residues 264-284): LAAVYKALSD[His274Arg]HIYLEGTLLK

ClinVar aggregate classification (germline): Uncertain significance (1 of 4 stars; one submission).

Conditions:
HNSHA due to aldolase A deficiency (GSD12). Also called: Glycogen storage disease due to aldolase A deficiency; GLYCOGEN STORAGE DISEASE XII; GSD XII; RED CELL ALDOLASE DEFICIENCY. Identifiers: Orphanet 57, MedGen C0272066, MONDO:0012747, OMIM 611881.

Allele frequency attached by ClinVar (database versions not stated): ExAC 0.00001; gnomAD 0.00001; gnomAD exomes 0.00001 and 0.00002; TOPMed 0.00002.
gnomAD v4.1: 24 of 1,613,936 alleles (0.0015%); highest among the groups gnomAD compares: East Asian, 0.0067%; no homozygotes.

Submission:

Labcorp Genetics (formerly Invitae), Labcorp
Classification: Uncertain significance for HNSHA due to aldolase A deficiency. Last evaluated: 2022-07-22. Review status: criteria provided, single submitter. Criteria: Invitae Variant Classification Sherloc (09022015). Collection method: clinical testing. Allele origin: germline.
Comment: This variant is present in population databases (rs760807537, gnomAD 0.003%). This sequence change replaces histidine, which is basic and polar, with arginine, which is basic and polar, at codon 220 of the ALDOA protein (p.His220Arg). This variant has not been reported in the literature in individuals affected with ALDOA-related conditions. In summary, the available evidence is currently insufficient to determine the role of this variant in disease. Therefore, it has been classified as a Variant of Uncertain Significance. Algorithms developed to predict the effect of missense changes on protein structure and function (SIFT, PolyPhen-2, Align-GVGD) all suggest that this variant is likely to be disruptive. ClinVar contains an entry for this variant (Variation ID: 1432377).